The following is an entry in ClinVar:

ClinVar aggregate classification (germline): Uncertain significance (1 of 4 stars; one submission).

Submission:

Labcorp Genetics (formerly Invitae), Labcorp
Classification: Uncertain significance. Last evaluated: 2024-08-27. Review status: criteria provided, single submitter. Criteria: Invitae Variant Classification Sherloc (09022015). Collection method: clinical testing. Allele origin: germline.
Comment: This sequence change affects codon 561 of the CTNNB1 mRNA. It is a 'silent' change, meaning that it does not change the encoded amino acid sequence of the CTNNB1 protein. This variant also falls at the last nucleotide of exon 10, which is part of the consensus splice site for this exon. This variant is not present in population databases (gnomAD no frequency). This variant has not been reported in the literature in individuals affected with CTNNB1-related conditions. Variants that disrupt the consensus splice site are a relatively common cause of aberrant splicing (PMID: 17576681, 9536098). Algorithms developed to predict the effect of sequence changes on RNA splicing suggest that this variant may disrupt the consensus splice site. In summary, the available evidence is currently insufficient to determine the role of this variant in disease. Therefore, it has been classified as a Variant of Uncertain Significance.

Literature cited by the submitters: PubMed 17576681; PubMed 9536098.

NM_001904.4(CTNNB1):c.1683G>A (p.Val561=)

Genes: CTNNB1 (catenin beta 1; plus strand), LOC126806659 (BRD4-independent group 4 enhancer GRCh37_chr3:41274918-41276117; plus strand). Cytogenetic location: 3p22.1.
Variant type: single nucleotide variant.
Coding change: c.1683G>A on transcript NM_001904.4 (MANE Select); coding-DNA position 1683, G replaced by A.
Protein change: p.Val561=; no amino-acid change (valine 561 retained).
Molecular consequence: synonymous variant.
Genome position (GRCh38, 1-based): chr3:41,234,297, G>A. VCF-style: chr3-41234297-G-A. GRCh37 (hg19) VCF-style: chr3-41275788-G-A.
Other names: c.1662G>A, p.Val554= (NM_001330729.2); c.1683G>A, p.Val561= (NM_001098209.2, NM_001098210.2).
Identifiers: ClinVar variation 3661306 (VCV003661306.2).